The following is an entry in ClinVar:

NC_000009.11:g.(?_367998)_(968139_?)dup

Genes: DMRT1 (doublesex and mab-3 related transcription factor 1; plus strand), DOCK8 (dedicator of cytokinesis 8; plus strand), KANK1 (KN motif and ankyrin repeat domains 1; plus strand). Cytogenetic location: 9p24.3.
Variant type: Duplication.
Identifiers: ClinVar variation 1441285 (VCV001441285.3).

ClinVar aggregate classification (germline): Uncertain significance (1 of 4 stars; one submission).

Submission:

Labcorp Genetics (formerly Invitae), Labcorp
Classification: Uncertain significance. Last evaluated: 2021-10-08. Review status: criteria provided, single submitter. Criteria: Invitae Variant Classification Sherloc (09022015). Collection method: clinical testing. Allele origin: germline.
Comment: A copy number gain of the genomic region encompassing the full coding sequence of the DMRT1 gene has been identified. The boundaries of this event are unknown as they extend beyond the assayed region for this gene and therefore may encompass additional genes. As the precise location of this event is unknown, it may be in tandem or it may be located elsewhere in the genome. This variant has not been reported in the literature in individuals with DMRT1-related conditions. In summary, the available evidence is currently insufficient to determine the role of this variant in disease. Therefore, it has been classified as a Variant of Uncertain Significance.